The following is an entry in ClinVar:

ClinVar aggregate classification (germline): Likely benign. Review status: criteria provided, single submitter (1 of 4 stars). 2 submissions from 2 submitters: Likely benign (1). 1 of the submissions does not count toward it. Last evaluated 2023-04-22.

Conditions:
Bardet-Biedl syndrome (BBS). Identifiers: Orphanet 110, MedGen C0752166, MONDO:0015229.
McKusick-Kaufman syndrome (MKKS). Also called: HYDROMETROCOLPOS SYNDROME; HYDROMETROCOLPOS, POSTAXIAL POLYDACTYLY, AND CONGENITAL HEART MALFORMATION. Identifiers: Orphanet 2473, MedGen C0948368, MONDO:0009367, OMIM 236700.
MKKS-related disorder. Also called: MKKS-related condition; MKKS-related disorders.

Allele frequency attached by ClinVar (database versions not stated): TOPMed 0.00002; gnomAD exomes 0.00001.
gnomAD v4.1: 4 of 1,614,202 alleles (0.00025%); highest among the groups gnomAD compares: Non-Finnish European, 0.00034%; no homozygotes.

Submissions (2):

Labcorp Genetics (formerly Invitae), Labcorp
Classification: Likely benign for McKusick-Kaufman syndrome; Bardet-Biedl syndrome. Last evaluated: 2023-04-22. Review status: criteria provided, single submitter. Criteria: Invitae Variant Classification Sherloc (09022015). Collection method: clinical testing. Allele origin: germline.

PreventionGenetics, part of Exact Sciences
Classification: Likely benign for MKKS-related condition. Last evaluated: 2024-06-04. Review status: no assertion criteria provided. Collection method: clinical testing. Allele origin: germline. Not counted in ClinVar's aggregate classification.
Comment: This variant is classified as likely benign based on ACMG/AMP sequence variant interpretation guidelines (Richards et al. 2015 PMID: 25741868, with internal and published modifications).

NM_170784.3(MKKS):c.663A>G (p.Glu221=)

Gene: MKKS (MKKS centrosomal shuttling protein; minus strand). Cytogenetic location: 20p12.2.
Variant type: single nucleotide variant.
Coding change: c.663A>G on transcript NM_170784.3 (MANE Select); coding-DNA position 663, A replaced by G.
Protein change: p.Glu221=; no amino-acid change (glutamic acid 221 retained).
Molecular consequence: synonymous variant.
Genome position (GRCh38, 1-based): chr20:10,412,852, T>C on the plus strand (A>G on the coding strand, the complement: MKKS is on the minus strand). VCF-style: chr20-10412852-T-C. GRCh37 (hg19) VCF-style: chr20-10393500-T-C.
Other names: c.663A>G, p.Glu221= (NM_018848.3).
Identifiers: ClinVar variation 2935125 (VCV002935125.4), dbSNP rs1432169288, ClinGen allele CA509815066.